The following is an entry in ClinVar:

ClinVar aggregate classification (germline): Uncertain significance (1 of 4 stars; one submission).

Allele frequency attached by ClinVar (database versions not stated): TOPMed below 0.00001; gnomAD exomes 0.00001.
gnomAD v4.1: 28 of 1,612,760 alleles (0.0017%); highest among the groups gnomAD compares: Admixed American, 0.0033%; no homozygotes.

Submission:

Labcorp Genetics (formerly Invitae), Labcorp
Classification: Uncertain significance. Last evaluated: 2021-05-19. Review status: criteria provided, single submitter. Criteria: Invitae Variant Classification Sherloc (09022015). Collection method: clinical testing. Allele origin: germline.
Comment: In summary, the available evidence is currently insufficient to determine the role of this variant in disease. Therefore, it has been classified as a Variant of Uncertain Significance. Algorithms developed to predict the effect of missense changes on protein structure and function output the following: SIFT: "Tolerated"; PolyPhen-2: "Benign"; Align-GVGD: "Class C0". The leucine amino acid residue is found in multiple mammalian species, suggesting that this missense change does not adversely affect protein function. These predictions have not been confirmed by published functional studies and their clinical significance is uncertain. This variant has not been reported in the literature in individuals with ARHGEF10-related conditions. This variant is not present in population databases (ExAC no frequency). This sequence change replaces valine with leucine at codon 1308 of the ARHGEF10 protein (p.Val1308Leu). The valine residue is moderately conserved and there is a small physicochemical difference between valine and leucine.

NM_014629.4(ARHGEF10):c.3922G>C (p.Val1308Leu)

Gene: ARHGEF10 (Rho guanine nucleotide exchange factor 10; plus strand). Cytogenetic location: 8p23.3.
Variant type: single nucleotide variant.
Coding change: c.3922G>C on transcript NM_014629.4 (MANE Select); coding-DNA position 3922, G replaced by C.
Protein change: p.Val1308Leu; replaces valine 1308 with leucine.
Molecular consequence: missense variant.
Genome position (GRCh38, 1-based): chr8:1,957,150, G>C. VCF-style: chr8-1957150-G-C. GRCh37 (hg19) VCF-style: chr8-1905316-G-C.
Other names: c.3808G>C, p.Val1270Leu (NM_001308152.2); c.3922G>C, p.Val1308Leu (NM_001308153.3); short protein forms V1270L, V1332L, V1308L.
Identifiers: ClinVar variation 1514621 (VCV001514621.8), dbSNP rs1431766196, ClinGen allele CA369958865.